The following is an entry in ClinVar:

ClinVar aggregate classification (germline): Uncertain significance (1 of 4 stars; one submission).

Conditions:
Emery-Dreifuss muscular dystrophy 5, autosomal dominant (EDMD5). Also called: EMERY-DREIFUSS MUSCULAR DYSTROPHY 5. Identifiers: Orphanet 261, MedGen C2751805, MONDO:0013072, OMIM 612999.

Submission:

Labcorp Genetics (formerly Invitae), Labcorp
Classification: Uncertain significance for Emery-Dreifuss muscular dystrophy 5, autosomal dominant. Last evaluated: 2022-06-08. Review status: criteria provided, single submitter. Criteria: Invitae Variant Classification Sherloc (09022015). Collection method: clinical testing. Allele origin: germline.
Comment: In summary, the available evidence is currently insufficient to determine the role of this variant in disease. Therefore, it has been classified as a Variant of Uncertain Significance. Algorithms developed to predict the effect of missense changes on protein structure and function (SIFT, PolyPhen-2, Align-GVGD) all suggest that this variant is likely to be tolerated. This variant has not been reported in the literature in individuals affected with SYNE2-related conditions. This variant is not present in population databases (gnomAD no frequency). This sequence change replaces histidine, which is basic and polar, with tyrosine, which is neutral and polar, at codon 5077 of the SYNE2 protein (p.His5077Tyr).

NM_182914.3(SYNE2):c.15229C>T (p.His5077Tyr)

Gene: SYNE2 (spectrin repeat containing nuclear envelope protein 2; plus strand). Cytogenetic location: 14q23.2.
Variant type: single nucleotide variant.
Coding change: c.15229C>T on transcript NM_182914.3 (MANE Select); coding-DNA position 15229, C replaced by T.
Protein change: p.His5077Tyr; replaces histidine 5077 with tyrosine.
Molecular consequence: missense variant.
Genome position (GRCh38, 1-based): chr14:64,142,011, C>T. VCF-style: chr14-64142011-C-T. GRCh37 (hg19) VCF-style: chr14-64608729-C-T.
Other names: c.15229C>T, p.His5077Tyr (NM_015180.6); short protein forms H5077Y.
Identifiers: ClinVar variation 2035389 (VCV002035389.4), dbSNP rs2549375764, ClinGen allele CA389943028.